The following is an entry in ClinVar:

ClinVar aggregate classification (germline): Uncertain significance (1 of 4 stars; one submission).

Conditions:
Neuronal ceroid lipofuscinosis. Also called: Neuronal Ceroid Lipofuscinoses. Identifiers: Orphanet 216, Orphanet 79263, MedGen C0027877, MONDO:0016295. Disease mechanism: loss of function.

gnomAD v4.1: 1 of 1,613,064 alleles (0.000062%); highest among the groups gnomAD compares: African/African-American, 0.0013%; no homozygotes.

Submission:

Labcorp Genetics (formerly Invitae), Labcorp
Classification: Uncertain significance for Neuronal ceroid lipofuscinosis. Last evaluated: 2022-06-04. Review status: criteria provided, single submitter. Criteria: Invitae Variant Classification Sherloc (09022015). Collection method: clinical testing. Allele origin: germline.
Comment: In summary, the available evidence is currently insufficient to determine the role of this variant in disease. Therefore, it has been classified as a Variant of Uncertain Significance. Variants that disrupt the consensus splice site are a relatively common cause of aberrant splicing (PMID: 17576681, 9536098). Algorithms developed to predict the effect of sequence changes on RNA splicing suggest that this variant may disrupt the consensus splice site. This variant has not been reported in the literature in individuals affected with CLN8-related conditions. This variant is not present in population databases (gnomAD no frequency). This sequence change falls in intron 2 of the CLN8 gene. It does not directly change the encoded amino acid sequence of the CLN8 protein. It affects a nucleotide within the consensus splice site.

Literature cited by the submitters: PubMed 17576681; PubMed 9536098.

NM_018941.4(CLN8):c.543+5G>C

Gene: CLN8 (CLN8 transmembrane ER and ERGIC protein; plus strand). Cytogenetic location: 8p23.3.
Variant type: single nucleotide variant.
Coding change: c.543+5G>C on transcript NM_018941.4 (MANE Select); 5 bases into the intron after coding-DNA position 543, G replaced by C.
Molecular consequence: intron variant.
Genome position (GRCh38, 1-based): chr8:1,771,602, G>C. VCF-style: chr8-1771602-G-C. GRCh37 (hg19) VCF-style: chr8-1719768-G-C.
Identifiers: ClinVar variation 2179296 (VCV002179296.4), dbSNP rs2486443556, ClinGen allele CA2580077991.